The following is an entry in ClinVar:

NM_025137.4(SPG11):c.1152G>C (p.Trp384Cys)

Gene: SPG11 (SPG11 vesicle trafficking associated, spatacsin; minus strand). Cytogenetic location: 15q21.1.
Variant type: single nucleotide variant.
Coding change: c.1152G>C on transcript NM_025137.4 (MANE Select); coding-DNA position 1152, G replaced by C.
Protein change: p.Trp384Cys; replaces tryptophan 384 with cysteine.
Molecular consequence: missense variant.
Genome position (GRCh38, 1-based): chr15:44,651,795, C>G on the plus strand (G>C on the coding strand, the complement: SPG11 is on the minus strand). VCF-style: chr15-44651795-C-G. GRCh37 (hg19) VCF-style: chr15-44943993-C-G.
Other names: c.1152G>C, p.Trp384Cys (NM_001160227.2, NM_001411132.1); short protein forms W384C.
Identifiers: ClinVar variation 2143674 (VCV002143674.4), dbSNP rs2084787275, ClinGen allele CA392236475.

ClinVar aggregate classification (germline): Uncertain significance (1 of 4 stars; one submission).

Conditions:
Hereditary spastic paraplegia 11. Also called: SPASTIC PARAPLEGIA, AUTOSOMAL RECESSIVE, COMPLICATED, WITH THIN CORPUS CALLOSUM; SPASTIC PARAPLEGIA, AUTOSOMAL RECESSIVE, WITH MENTAL IMPAIRMENT AND THIN CORPUS CALLOSUM; Spastic Paraplegia 11; Nakamura Osame syndrome; Autosomal recessive hereditary spastic paraplegia, mental impairment, and thin corpus callosum; Spastic paraplegia, mental retardation and thin corpus callosum. Identifiers: Orphanet 2822, MedGen C1858479, MONDO:0011445, OMIM 604360.

Submission:

Labcorp Genetics (formerly Invitae), Labcorp
Classification: Uncertain significance for Hereditary spastic paraplegia 11. Last evaluated: 2022-01-21. Review status: criteria provided, single submitter. Criteria: Invitae Variant Classification Sherloc (09022015). Collection method: clinical testing. Allele origin: germline.
Comment: This variant is not present in population databases (gnomAD no frequency). This sequence change replaces tryptophan, which is neutral and slightly polar, with cysteine, which is neutral and slightly polar, at codon 384 of the SPG11 protein (p.Trp384Cys). This variant has not been reported in the literature in individuals affected with SPG11-related conditions. Algorithms developed to predict the effect of missense changes on protein structure and function are either unavailable or do not agree on the potential impact of this missense change (SIFT: "Deleterious"; PolyPhen-2: "Possibly Damaging"; Align-GVGD: "Class C0"). In summary, the available evidence is currently insufficient to determine the role of this variant in disease. Therefore, it has been classified as a Variant of Uncertain Significance.